The following is an entry in ClinVar:

NM_001242896.3(DEPDC5):c.2986A>G (p.Ile996Val)

Gene: DEPDC5 (DEP domain containing 5, GATOR1 subcomplex subunit; plus strand). Cytogenetic location: 22q12.3.
Variant type: single nucleotide variant.
Coding change: c.2986A>G on transcript NM_001242896.3 (MANE Select); coding-DNA position 2986, A replaced by G.
Protein change: p.Ile996Val; replaces isoleucine 996 with valine.
Molecular consequence: missense variant. On other transcripts: non-coding transcript variant (5).
Genome position (GRCh38, 1-based): chr22:31,845,202, A>G. VCF-style: chr22-31845202-A-G. GRCh37 (hg19) VCF-style: chr22-32241188-A-G.
Other names: c.2959A>G, p.Ile987Val (NM_001136029.4, NM_001369903.1, NM_014662.6); c.2752A>G, p.Ile918Val (NM_001242897.2, NM_001363854.2, NM_001364319.2); c.2986A>G, p.Ile996Val (NM_001363852.2, NM_001364318.2, NM_001364320.2); c.2902A>G, p.Ile968Val (NM_001369901.1, NM_001369902.1); short protein forms I987V, I996V, I918V, I968V.
Identifiers: ClinVar variation 1491502 (VCV001491502.6), dbSNP rs2149024866, ClinGen allele CA411291422.
Genomic context (GRCh38, chr22:31,845,202, plus strand): 5'-GACGAGGACGAGTGGCAACTCCTGGATGGTTTTGTCCGCTTTGTGGAGGGCTTGAATCGC[A>G]TTCGCAGGCGGCATCGCTCGGATCGCATGATGCGGGTAAGGGCTCCTTAGACTCAGGGAG-3'
Protein context (NP_001229825.1, residues 986-1006): FVRFVEGLNR[Ile996Val]RRRHRSDRMM

ClinVar aggregate classification (germline): Uncertain significance (1 of 4 stars; one submission).

Conditions:
Familial focal epilepsy with variable foci (FPEVF). Identifiers: Orphanet 98820, MedGen C1858477, MONDO:0020310.

gnomAD v4.1: 1 of 1,614,194 alleles (0.000062%); no homozygotes.

Submission:

Labcorp Genetics (formerly Invitae), Labcorp
Classification: Uncertain significance for Familial focal epilepsy with variable foci. Last evaluated: 2021-09-28. Review status: criteria provided, single submitter. Criteria: Invitae Variant Classification Sherloc (09022015). Collection method: clinical testing. Allele origin: germline.
Comment: This sequence change replaces isoleucine with valine at codon 996 of the DEPDC5 protein (p.Ile996Val). The isoleucine residue is highly conserved and there is a small physicochemical difference between isoleucine and valine. This variant is not present in population databases (ExAC no frequency). This variant has not been reported in the literature in individuals affected with DEPDC5-related conditions. Algorithms developed to predict the effect of missense changes on protein structure and function are either unavailable or do not agree on the potential impact of this missense change (SIFT: "Deleterious"; PolyPhen-2: "Not Available"; Align-GVGD: "Class C25"). In summary, the available evidence is currently insufficient to determine the role of this variant in disease. Therefore, it has been classified as a Variant of Uncertain Significance.